The following is an entry in ClinVar:

ClinVar aggregate classification (germline): Likely benign (1 of 4 stars; one submission).

Conditions:
TMEM67-related disorder. Also called: TMEM67-related condition; TMEM67-related disorders. Identifiers: MedGen CN239423.

Submission:

PreventionGenetics, part of Exact Sciences
Classification: Likely benign for TMEM67-related condition. Last evaluated: 2025-10-06. Review status: criteria provided, single submitter. Criteria: ACMG Guidelines, 2015. Collection method: clinical testing. Allele origin: germline.
Comment: This variant is classified as likely benign based on ACMG/AMP sequence variant interpretation guidelines (Richards et al. 2015 PMID: 25741868, with internal and published modifications).

NM_153704.6(TMEM67):c.2469A>T (p.Val823=)

Gene: TMEM67 (transmembrane protein 67; plus strand). Cytogenetic location: 8q22.1.
Variant type: single nucleotide variant.
Coding change: c.2469A>T on transcript NM_153704.6 (MANE Select); coding-DNA position 2469, A replaced by T.
Protein change: p.Val823=; no amino-acid change (valine 823 retained).
Molecular consequence: synonymous variant. On other transcripts: non-coding transcript variant (1).
Genome position (GRCh38, 1-based): chr8:93,808,869, A>T. VCF-style: chr8-93808869-A-T. GRCh37 (hg19) VCF-style: chr8-94821097-A-T.
Other names: c.2226A>T, p.Val742= (NM_001142301.1).
Identifiers: ClinVar variation 4994708 (VCV004994708.1).